The following is an entry in ClinVar:

NM_002692.4(POLE2):c.1553C>T (p.Thr518Ile)

Gene: POLE2 (DNA polymerase epsilon 2, accessory subunit; minus strand). Cytogenetic location: 14q21.3.
Variant type: single nucleotide variant.
Coding change: c.1553C>T on transcript NM_002692.4 (MANE Select); coding-DNA position 1553, C replaced by T.
Protein change: p.Thr518Ile; replaces threonine 518 with isoleucine.
Molecular consequence: missense variant.
Genome position (GRCh38, 1-based): chr14:49,647,305, G>A on the plus strand (C>T on the coding strand, the complement: POLE2 is on the minus strand). VCF-style: chr14-49647305-G-A. GRCh37 (hg19) VCF-style: chr14-50114023-G-A.
Other names: c.1475C>T, p.Thr492Ile (NM_001197330.2); c.1550C>T, p.Thr517Ile (NM_001348384.2); c.1322C>T, p.Thr441Ile (NM_001348385.2); c.1553C>T (NM_002692.3); short protein forms T441I, T492I, T517I, T518I.
Identifiers: ClinVar variation 3615364 (VCV003615364.3).

ClinVar aggregate classification (germline): Uncertain significance. Review status: criteria provided, multiple submitters, no conflicts (2 of 4 stars). 2 submissions from 2 submitters: Uncertain significance (2). Last evaluated 2025-05-17.

gnomAD v4.1: 12 of 1,545,578 alleles (0.00078%); highest among the groups gnomAD compares: African/African-American, 0.014%; no homozygotes.

Submissions (2):

Labcorp Genetics (formerly Invitae), Labcorp
Classification: Uncertain significance. Last evaluated: 2025-05-17. Review status: criteria provided, single submitter. Criteria: Invitae Variant Classification Sherloc (09022015). Collection method: clinical testing. Allele origin: germline.
Comment: This sequence change replaces threonine, which is neutral and polar, with isoleucine, which is neutral and non-polar, at codon 518 of the POLE2 protein (p.Thr518Ile). The frequency data for this variant in the population databases is considered unreliable, as metrics indicate poor data quality at this position in the gnomAD database. This variant has not been reported in the literature in individuals affected with POLE2-related conditions. ClinVar contains an entry for this variant (Variation ID: 3615364). An algorithm developed to predict the effect of missense changes on protein structure and function outputs the following: PolyPhen-2: "Benign". The isoleucine amino acid residue is found in multiple mammalian species, which suggests that this missense change does not adversely affect protein function. Algorithms developed to predict the effect of sequence changes on RNA splicing suggest that this variant may disrupt the consensus splice site. In summary, the available evidence is currently insufficient to determine the role of this variant in disease. Therefore, it has been classified as a Variant of Uncertain Significance.

Ambry Genetics
Classification: Uncertain significance. Last evaluated: 2025-04-28. Review status: criteria provided, single submitter. Criteria: Ambry Variant Classification Scheme 2023. Collection method: clinical testing. Allele origin: germline.